The following is an entry in ClinVar:

ClinVar aggregate classification (germline): Uncertain significance (1 of 4 stars; one submission).

Allele frequency attached by ClinVar (database versions not stated): gnomAD exomes below 0.00001; ExAC 0.00001.
gnomAD v4.1: 1 of 1,209,302 alleles (0.000083%); highest among the groups gnomAD compares: Non-Finnish European, 0.00011%; no homozygotes.

Submission:

Labcorp Genetics (formerly Invitae), Labcorp
Classification: Uncertain significance. Last evaluated: 2023-05-05. Review status: criteria provided, single submitter. Criteria: Invitae Variant Classification Sherloc (09022015). Collection method: clinical testing. Allele origin: germline.
Comment: This variant is present in population databases (rs779966646, gnomAD 0.001%). This sequence change replaces lysine, which is basic and polar, with glutamic acid, which is acidic and polar, at codon 110 of the ABCB7 protein (p.Lys110Glu). In summary, the available evidence is currently insufficient to determine the role of this variant in disease. Therefore, it has been classified as a Variant of Uncertain Significance. An algorithm developed to predict the effect of missense changes on protein structure and function (PolyPhen-2) suggests that this variant is likely to be tolerated. This variant has not been reported in the literature in individuals affected with ABCB7-related conditions.

NM_001271696.3(ABCB7):c.325A>G (p.Lys109Glu)

Gene: ABCB7 (ATP binding cassette subfamily B member 7; minus strand). Cytogenetic location: Xq13.3.
Variant type: single nucleotide variant.
Coding change: c.325A>G on transcript NM_001271696.3 (MANE Select); coding-DNA position 325, A replaced by G.
Protein change: p.Lys109Glu; replaces lysine 109 with glutamic acid.
Molecular consequence: missense variant.
Genome position (GRCh38, 1-based): chrX:75,112,894, T>C on the plus strand (A>G on the coding strand, the complement: ABCB7 is on the minus strand). VCF-style: chrX-75112894-T-C. GRCh37 (hg19) VCF-style: chrX-74332729-T-C.
Other names: c.325A>G, p.Lys109Glu (NM_001271697.3); c.247A>G, p.Lys83Glu (NM_001271698.3); c.328A>G, p.Lys110Glu (NM_001271699.3, NM_004299.6); short protein forms K110E, K109E, K83E.
Identifiers: ClinVar variation 2970690 (VCV002970690.3), dbSNP rs779966646, ClinGen allele CA10455546.